The following is an entry in ClinVar:

NM_004006.3(DMD):c.2570C>T (p.Pro857Leu)

Gene: DMD (dystrophin; minus strand). Cytogenetic location: Xp21.1.
Variant type: single nucleotide variant.
Coding change: c.2570C>T on transcript NM_004006.3 (MANE Select); coding-DNA position 2570, C replaced by T.
Protein change: p.Pro857Leu; replaces proline 857 with leucine.
Molecular consequence: missense variant.
Genome position (GRCh38, 1-based): chrX:32,491,329, G>A on the plus strand (C>T on the coding strand, the complement: DMD is on the minus strand). VCF-style: chrX-32491329-G-A. GRCh37 (hg19) VCF-style: chrX-32509446-G-A.
Other names: c.2546C>T, p.Pro849Leu (NM_000109.4); c.2558C>T, p.Pro853Leu (NM_004009.3); c.2201C>T, p.Pro734Leu (NM_004010.3); short protein forms P853L, P857L, P734L, P849L.
Identifiers: ClinVar variation 1042363 (VCV001042363.7), dbSNP rs1302325394, ClinGen allele CA412671997.

ClinVar aggregate classification (germline): Uncertain significance. Review status: criteria provided, single submitter (1 of 4 stars). 2 submissions from 2 submitters: Uncertain significance (1). 1 of the submissions does not count toward it. Last evaluated 2021-08-20.

Conditions:
Cardiomyopathy (CMYO). Also called: Cardiomyopathies. Identifiers: Orphanet 167848, MedGen C0878544, MONDO:0004994, HP:0001638. Inheritance: Various modes of inheritance.
Dystrophin deficiency.
Duchenne muscular dystrophy (DMD). Also called: MUSCULAR DYSTROPHY, PSEUDOHYPERTROPHIC PROGRESSIVE, DUCHENNE TYPE; Duchenne Muscular Dystrophy (DMD). Identifiers: Orphanet 98896, MedGen C0013264, MONDO:0010679, OMIM 310200.
Becker muscular dystrophy (BMD). Also called: Becker Muscular Dystrophy (BMD); MUSCULAR DYSTROPHY, PSEUDOHYPERTROPHIC PROGRESSIVE, BECKER TYPE. Identifiers: Orphanet 98895, MedGen C0917713, MONDO:0010311, OMIM 300376.

Allele frequency attached by ClinVar (database versions not stated): TOPMed below 0.00001; gnomAD 0.00001.
gnomAD v4.1: 1 of 1,209,343 alleles (0.000083%); highest among the groups gnomAD compares: Non-Finnish European, 0.00011%; no homozygotes.

Submissions (2):

Labcorp Genetics (formerly Invitae), Labcorp
Classification: Uncertain significance for Duchenne muscular dystrophy. Last evaluated: 2021-08-20. Review status: criteria provided, single submitter. Criteria: Invitae Variant Classification Sherloc (09022015). Collection method: clinical testing. Allele origin: germline.
Comment: This sequence change replaces proline with leucine at codon 857 of the DMD protein (p.Pro857Leu). The proline residue is moderately conserved and there is a moderate physicochemical difference between proline and leucine. This variant is not present in population databases (ExAC no frequency). This variant has not been reported in the literature in individuals affected with DMD-related conditions. Algorithms developed to predict the effect of missense changes on protein structure and function output the following: SIFT: "Deleterious"; PolyPhen-2: "Benign"; Align-GVGD: "Class C15". The leucine amino acid residue is found in multiple mammalian species, which suggests that this missense change does not adversely affect protein function. In summary, the available evidence is currently insufficient to determine the role of this variant in disease. Therefore, it has been classified as a Variant of Uncertain Significance.

Natera, Inc.
Classification: Uncertain significance for Becker muscular dystrophy; Cardiomyopathy; Duchenne muscular dystrophy; Dystrophin deficiency. Last evaluated: 2019-09-26. Review status: no assertion criteria provided. Collection method: clinical testing. Allele origin: germline. Not counted in ClinVar's aggregate classification.